The following is an entry in ClinVar:

NM_001201543.2(FAM161A):c.1952dup (p.Leu652fs)

Gene: FAM161A (FAM161 centrosomal protein A; minus strand). Cytogenetic location: 2p15.
Variant type: Duplication.
Coding change: c.1952dup on transcript NM_001201543.2 (MANE Select); coding-DNA position 1952, one base duplicated (T; older notation c.1952dupT).
Protein change: p.Leu652fs; shifts the reading frame from leucine 652.
Molecular consequence: frameshift variant. On other transcripts: non-coding transcript variant (1).
Genome position (GRCh38, 1-based): chr2:61,827,158, A duplicated on the plus strand (T on the coding strand, the reverse complement: FAM161A is on the minus strand). VCF-style (leftmost placement, unchanged base first): chr2-61827157-T-TA. GRCh37 (hg19) VCF-style: chr2-62054292-T-TA.
Other names: c.1784dup, p.Leu596fs (NM_032180.3); short protein forms L596fs, L652fs.
Identifiers: ClinVar variation 3640192 (VCV003640192.2).

ClinVar aggregate classification (germline): Pathogenic (1 of 4 stars; one submission).

Submission:

Labcorp Genetics (formerly Invitae), Labcorp
Classification: Pathogenic. Last evaluated: 2024-02-11. Review status: criteria provided, single submitter. Criteria: Invitae Variant Classification Sherloc (09022015). Collection method: clinical testing. Allele origin: germline.
Comment: This sequence change creates a premature translational stop signal (p.Leu652Thrfs*2) in the FAM161A gene. It is expected to result in an absent or disrupted protein product. Loss-of-function variants in FAM161A are known to be pathogenic (PMID: 20705278, 20705279, 24651477). This variant is not present in population databases (gnomAD no frequency). This variant has not been reported in the literature in individuals affected with FAM161A-related conditions. For these reasons, this variant has been classified as Pathogenic.

Literature cited by the submitters: PubMed 20705278; PubMed 20705279; PubMed 24651477.